The following is an entry in ClinVar:

NM_015450.3(POT1):c.125-3C>A

Gene: POT1 (protection of telomeres 1; minus strand). Cytogenetic location: 7q31.33.
Variant type: single nucleotide variant.
Coding change: c.125-3C>A on transcript NM_015450.3 (MANE Select); 3 bases into the intron before coding-DNA position 125, C replaced by A.
Molecular consequence: intron variant.
Genome position (GRCh38, 1-based): chr7:124,871,044, G>T on the plus strand (C>A on the coding strand, the complement: POT1 is on the minus strand). VCF-style: chr7-124871044-G-T. GRCh37 (hg19) VCF-style: chr7-124511098-G-T.
Other names: c.-138-7404C>A (NM_001042594.2).
Identifiers: ClinVar variation 834280 (VCV000834280.10), dbSNP rs1795856518, ClinGen allele CA916082955.

ClinVar aggregate classification (germline): Uncertain significance (1 of 4 stars; one submission).

Conditions:
Tumor predisposition syndrome 3 (TPDS3). Also called: Glioma susceptibility 9; LONG TELOMERE SYNDROME, POT1-RELATED; POT1 Tumor Predisposition; Melanoma, cutaneous malignant, susceptibility to, 10. Identifiers: Orphanet 618, MedGen C4014476, MONDO:0014368, OMIM 615848.

gnomAD v4.1: 1 of 1,553,900 alleles (0.000064%); highest among the groups gnomAD compares: South Asian, 0.0012%; no homozygotes.

Submission:

Labcorp Genetics (formerly Invitae), Labcorp
Classification: Uncertain significance for Tumor predisposition syndrome 3. Last evaluated: 2019-12-03. Review status: criteria provided, single submitter. Criteria: Invitae Variant Classification Sherloc (09022015). Collection method: clinical testing. Allele origin: germline.
Comment: This sequence change falls in intron 6 of the POT1 gene. It does not directly change the encoded amino acid sequence of the POT1 protein, but it affects a nucleotide within the consensus splice site of the intron. In summary, the available evidence is currently insufficient to determine the role of this variant in disease. Therefore, it has been classified as a Variant of Uncertain Significance. Nucleotide substitutions within the consensus splice site are a relatively common cause of aberrant splicing (PMID: 17576681, 9536098). Algorithms developed to predict the effect of sequence changes on RNA splicing suggest that this variant may disrupt the consensus splice site, but this prediction has not been confirmed by published transcriptional studies. This variant has not been reported in the literature in individuals with POT1-related conditions. This variant is not present in population databases (ExAC no frequency).

Literature cited by the submitters: PubMed 17576681; PubMed 9536098.